The following is an entry in ClinVar:

ClinVar aggregate classification (germline): Uncertain significance. Review status: criteria provided, single submitter (1 of 4 stars). 4 submissions from 4 submitters: Uncertain significance (1). 3 of the submissions do not count toward it. Last evaluated 2022-12-30.

Conditions:
Congenital neutropenia. Identifiers: MedGen C0340970, HP:0005549.
Neutropenia, severe congenital, 1, autosomal dominant. Identifiers: MedGen C1859966, MONDO:0042490, OMIM 202700.

Submissions (4):

GeneDx
Classification: Uncertain significance. Last evaluated: 2022-12-30. Review status: criteria provided, single submitter. Criteria: GeneDx Variant Classification Process June 2021. Collection method: clinical testing. Allele origin: germline. Affected: yes.
Comment: Not observed at significant frequency in large population cohorts (gnomAD); In silico analysis supports that this missense variant has a deleterious effect on protein structure/function; Identified heterozyous in 14 affected individuals in a 5-generation family with neutropenia; no unaffected individuals who were tested carried the variant (Makaryan et al., 2014); This variant is associated with the following publications: (PMID: 27229898, 24753205)

University of Washington Center for Mendelian Genomics, University of Washington
Classification: Pathogenic for Neutropenia, severe congenital, 1, autosomal dominant. Last evaluated: 2014-11-25. Review status: no assertion criteria provided. Collection method: research. Allele origin: inherited. Affected: yes. Not counted in ClinVar's aggregate classification.

OMIM
Classification: Uncertain significance for VARIANT OF UNKNOWN SIGNIFICANCE. Last evaluated: 2014-07-01. Review status: no assertion criteria provided. Collection method: literature only. Allele origin: germline. Not counted in ClinVar's aggregate classification.

University of Washington School of Medicine
Classification: Pathogenic for congenital neutropenia. Last evaluated: 2013-12-01. Review status: no assertion criteria provided. Collection method: research. Allele origin: uniparental. Inheritance: Autosomal dominant inheritance. Affected: yes. Observed: 13 variant alleles, 13 heterozygotes. Clinical features observed: Low blood neutrophil counts (ANC < 1.5 x 109/L) and recurrent bacterial infections usually beginning very early in childhood. Not counted in ClinVar's aggregate classification.
Comment: Perfect linkage with neutropenia in a 5 generation (N=21) pedigree. 13 affected individuals, 8 unaffected individuals.

Literature cited by the submitters: PubMed 24753205 (cited by 3 submitters); Rosenthal, E. A. Personal Communication. 2014. Seattle, Wa. (cited by OMIM).

NM_006019.4(TCIRG1):c.2206C>A (p.Arg736Ser)

Gene: TCIRG1 (T cell immune regulator 1, ATPase H+ transporting V0 subunit a3; plus strand). Cytogenetic location: 11q13.2.
Variant type: single nucleotide variant.
Coding change: c.2206C>A on transcript NM_006019.4 (MANE Select); coding-DNA position 2206, C replaced by A.
Protein change: p.Arg736Ser; replaces arginine 736 with serine.
Molecular consequence: missense variant.
Genome position (GRCh38, 1-based): chr11:68,050,224, C>A. VCF-style: chr11-68050224-C-A. GRCh37 (hg19) VCF-style: chr11-67817691-C-A.
Other names: c.1312C>A, p.Arg438Ser (NM_001351059.2); c.1558C>A, p.Arg520Ser (NM_006053.4); short protein forms R736S, R438S, R520S.
Identifiers: ClinVar variation 127173 (VCV000127173.2), dbSNP rs587779413, ClinGen allele CA170625.
Genomic context (GRCh38, chr11:68,050,224, plus strand): 5'-CAGGCCATCCACACCATCGAGTTCTGCCTGGGCTGCGTCTCCAACACCGCCTCCTACCTG[C>A]GCCTGTGGGCCCTGAGCCTGGCCCACGCCCGTGAGTGACCTGGCCACCGACGGCTGGCCC-3'
Protein context (NP_006010.2, residues 726-746): GCVSNTASYL[Arg736Ser]LWALSLAHAQ